The following is an entry in ClinVar:

NM_021939.4(FKBP10):c.209A>G (p.Asn70Ser)

Gene: FKBP10 (FKBP prolyl isomerase 10; plus strand). Cytogenetic location: 17q21.2.
Variant type: single nucleotide variant.
Coding change: c.209A>G on transcript NM_021939.4 (MANE Select); coding-DNA position 209, A replaced by G.
Protein change: p.Asn70Ser; replaces asparagine 70 with serine.
Molecular consequence: missense variant.
Genome position (GRCh38, 1-based): chr17:41,813,243, A>G. VCF-style: chr17-41813243-A-G. GRCh37 (hg19) VCF-style: chr17-39969495-A-G.
Other names: short protein forms N70S.
Identifiers: ClinVar variation 1194857 (VCV001194857.4), dbSNP rs145424241, ClinGen allele CA8566134.
Genomic context (GRCh38, chr17:41,813,243, plus strand): 5'-ACATCCCCAGGGCCTGTCCCCGGGAAGTGCAGATGGGGGATTTTGTGCGCTACCACTACA[A>G]CGGCACTTTTGAAGATGGCAAGAAGTTTGATTCAAGGTAACCCCGGTTGGGCGCCCCCGG-3'
Protein context (NP_068758.3, residues 60-80): QMGDFVRYHY[Asn70Ser]GTFEDGKKFD

ClinVar aggregate classification (germline): Uncertain significance (1 of 4 stars; one submission).

Allele frequency attached by ClinVar (database versions not stated): ESP Exome Variant Server 0.00023; gnomAD 0.00037 and 0.00033; gnomAD exomes 0.00006 and 0.00005; ExAC 0.00007; TOPMed 0.00032; 1000 Genomes Project 0.00020; 1000 Genomes Project 30x 0.00016.

Submission:

GeneDx
Classification: Uncertain significance. Last evaluated: 2026-01-06. Review status: criteria provided, single submitter. Criteria: GeneDx Variant Classification Process June 2021. Collection method: clinical testing. Allele origin: germline. Affected: yes.
Comment: In silico analysis supports that this missense variant has a deleterious effect on protein structure/function; Has not been previously published as pathogenic or benign to our knowledge